The following is an entry in ClinVar:

NM_000245.4(MET):c.1029C>G (p.Phe343Leu)

Gene: MET (MET proto-oncogene, receptor tyrosine kinase; plus strand). Cytogenetic location: 7q31.2.
Variant type: single nucleotide variant.
Coding change: c.1029C>G on transcript NM_000245.4 (MANE Select); coding-DNA position 1029, C replaced by G.
Protein change: p.Phe343Leu; replaces phenylalanine 343 with leucine.
Molecular consequence: missense variant. On other transcripts: intron variant (1).
Genome position (GRCh38, 1-based): chr7:116,700,113, C>G. VCF-style: chr7-116700113-C-G. GRCh37 (hg19) VCF-style: chr7-116340167-C-G.
Other names: c.1029C>G, p.Phe343Leu (NM_001127500.3, NM_001324401.3); c.-91+27536C>G (NM_001324402.2); short protein forms F343L.
Identifiers: ClinVar variation 957174 (VCV000957174.10), dbSNP rs56340719, ClinGen allele CA368970385.
Genomic context (GRCh38, chr7:116,700,113, plus strand): 5'-CAAGCCTGGGGCCCAGCTTGCTAGACAAATAGGAGCCAGCCTGAATGATGACATTCTTTT[C>G]GGGGTGTTCGCACAAAGCAAGCCAGATTCTGCCGAACCAATGGATCGATCTGCCATGTGT-3'
Protein context (NP_000236.2, residues 333-353): IGASLNDDIL[Phe343Leu]GVFAQSKPDS

ClinVar aggregate classification (germline): Conflicting classifications of pathogenicity. Review status: criteria provided, conflicting classifications (1 of 4 stars). 2 submissions from 2 submitters: Uncertain significance (1); Likely benign (1). Last evaluated 2026-04-28.

Conditions:
Renal cell carcinoma. Identifiers: Orphanet 217071, MedGen C0007134, MeSH D002292, MONDO:0005086, HP:0005584.
Hereditary cancer-predisposing syndrome. Also called: Hereditary Cancer Syndrome; Neoplastic Syndromes, Hereditary; Tumor predisposition; Hereditary neoplastic syndrome. Identifiers: Orphanet 140162, MedGen C0027672, MeSH D009386, MONDO:0015356.

Allele frequency attached by ClinVar (database versions not stated): gnomAD 0.00001; TOPMed 0.00001.
gnomAD v4.1: 2 of 1,608,500 alleles (0.00012%); highest among the groups gnomAD compares: African/African-American, 0.0013%; no homozygotes.

Submissions (2):

Ambry Genetics
Classification: Likely benign for Hereditary cancer-predisposing syndrome. Last evaluated: 2026-04-28. Review status: criteria provided, single submitter. Criteria: Ambry Variant Classification Scheme 2023. Collection method: clinical testing. Allele origin: germline.

Labcorp Genetics (formerly Invitae), Labcorp
Classification: Uncertain significance for Renal cell carcinoma. Last evaluated: 2019-08-13. Review status: criteria provided, single submitter. Criteria: Invitae Variant Classification Sherloc (09022015). Collection method: clinical testing. Allele origin: germline.
Comment: Algorithms developed to predict the effect of missense changes on protein structure and function are either unavailable or do not agree on the potential impact of this missense change (SIFT: "Deleterious"; PolyPhen-2: "Benign"; Align-GVGD: "Class C0"). In summary, the available evidence is currently insufficient to determine the role of this variant in disease. Therefore, it has been classified as a Variant of Uncertain Significance. This variant has not been reported in the literature in individuals with MET-related conditions. This variant is not present in population databases (ExAC no frequency). This sequence change replaces phenylalanine with leucine at codon 343 of the MET protein (p.Phe343Leu). The phenylalanine residue is weakly conserved and there is a small physicochemical difference between phenylalanine and leucine.